The following is an entry in ClinVar:

NM_000321.3(RB1):c.2212-17T>A

Gene: RB1 (RB transcriptional corepressor 1; plus strand). Cytogenetic location: 13q14.2.
Variant type: single nucleotide variant.
Coding change: c.2212-17T>A on transcript NM_000321.3 (MANE Select); 17 bases into the intron before coding-DNA position 2212, T replaced by A.
Molecular consequence: intron variant.
Genome position (GRCh38, 1-based): chr13:48,464,981, T>A. VCF-style: chr13-48464981-T-A. GRCh37 (hg19) VCF-style: chr13-49039117-T-A.
Other names: c.2212-17T>A (NM_001407165.1).
Identifiers: ClinVar variation 2736367 (VCV002736367.4), dbSNP rs953971230, ClinGen allele CA249310292.

ClinVar aggregate classification (germline): Likely benign. Review status: criteria provided, multiple submitters, no conflicts (2 of 4 stars). 2 submissions from 2 submitters: Likely benign (2). Last evaluated 2025-09-17.

Conditions:
Hereditary retinoblastoma. Identifiers: Orphanet 357027, MedGen C0751483, MONDO:0018160.
Retinoblastoma (RB1). Also called: RETINOBLASTOMA, SOMATIC. Identifiers: Orphanet 790, MedGen C0035335, MeSH D012175, MONDO:0008380, OMIM 180200, HP:0009919. Disease mechanism: loss of function. Inheritance: Both sporadic and heritable forms are tested..

Allele frequency attached by ClinVar (database versions not stated): TOPMed below 0.00001.

Submissions (2):

Ramesar Group, Division of Human Genetics, Institute of Infectious Diseases and Molecular Medicine, UCT/MRC Genomic and Precision Medicine Research Unit, University of Cape Town
Classification: Likely benign for Hereditary retinoblastoma. Last evaluated: 2025-09-17. Review status: criteria provided, single submitter. Criteria: ACMG Guidelines, 2015. Collection method: research. Allele origin: germline. Affected: no.
Comment: BP5 - Variant found in a patient with a different retinal disease; RB1 is not associated with the phenotype BP7 - A non-coding variant with no predicted effect on splicing (SpliceAI scores are negligible)

Labcorp Genetics (formerly Invitae), Labcorp
Classification: Likely benign for Retinoblastoma. Last evaluated: 2023-08-09. Review status: criteria provided, single submitter. Criteria: Invitae Variant Classification Sherloc (09022015). Collection method: clinical testing. Allele origin: germline.